The following is an entry in ClinVar:

NM_006017.3(PROM1):c.935C>T (p.Ser312Leu)

Gene: PROM1 (prominin 1; minus strand). Cytogenetic location: 4p15.32.
Variant type: single nucleotide variant.
Coding change: c.935C>T on transcript NM_006017.3 (MANE Select); coding-DNA position 935, C replaced by T.
Protein change: p.Ser312Leu; replaces serine 312 with leucine.
Molecular consequence: missense variant.
Genome position (GRCh38, 1-based): chr4:16,018,390, G>A on the plus strand (C>T on the coding strand, the complement: PROM1 is on the minus strand). VCF-style: chr4-16018390-G-A. GRCh37 (hg19) VCF-style: chr4-16020013-G-A.
Other names: c.908C>T, p.Ser303Leu (NM_001145852.2, NM_001371406.1, NM_001371407.1 and 4 more transcripts); c.935C>T, p.Ser312Leu (NM_001145849.2, NM_001145850.2); short protein forms S303L, S312L.
Identifiers: ClinVar variation 1718904 (VCV001718904.5), dbSNP rs547566004, ClinGen allele CA2866915.

ClinVar aggregate classification (germline): Uncertain significance (1 of 4 stars; one submission).

Allele frequency attached by ClinVar (database versions not stated): ExAC 0.00001; gnomAD 0.00001; 1000 Genomes Project 30x 0.00016; 1000 Genomes Project 0.00020.
gnomAD v4.1: 1 of 1,613,872 alleles (0.000062%); highest among the groups gnomAD compares: East Asian, 0.0022%; no homozygotes.

Submission:

Labcorp Genetics (formerly Invitae), Labcorp
Classification: Uncertain significance. Last evaluated: 2022-07-19. Review status: criteria provided, single submitter. Criteria: Invitae Variant Classification Sherloc (09022015). Collection method: clinical testing. Allele origin: germline.
Comment: In summary, the available evidence is currently insufficient to determine the role of this variant in disease. Therefore, it has been classified as a Variant of Uncertain Significance. Algorithms developed to predict the effect of missense changes on protein structure and function (SIFT, PolyPhen-2, Align-GVGD) all suggest that this variant is likely to be tolerated. This variant has not been reported in the literature in individuals affected with PROM1-related conditions. This variant is present in population databases (rs547566004, gnomAD 0.006%). This sequence change replaces serine, which is neutral and polar, with leucine, which is neutral and non-polar, at codon 312 of the PROM1 protein (p.Ser312Leu).